The following is an entry in ClinVar:

NM_005732.4(RAD50):c.2956C>T (p.Gln986Ter)

Gene: RAD50 (RAD50 double strand break repair protein; plus strand). Cytogenetic location: 5q31.1.
Variant type: single nucleotide variant.
Coding change: c.2956C>T on transcript NM_005732.4 (MANE Select); coding-DNA position 2956, C replaced by T.
Protein change: p.Gln986Ter; replaces glutamine 986 with a stop codon.
Molecular consequence: nonsense.
Genome position (GRCh38, 1-based): chr5:132,609,316, C>T. VCF-style: chr5-132609316-C-T. GRCh37 (hg19) VCF-style: chr5-131945008-C-T.
Other names: short protein forms Q986*.
Identifiers: ClinVar variation 575716 (VCV000575716.9), dbSNP rs1561647533, ClinGen allele CA360960420.

ClinVar aggregate classification (germline): Pathogenic (1 of 4 stars; one submission).

Conditions:
Hereditary cancer-predisposing syndrome. Also called: Tumor predisposition; Hereditary neoplastic syndrome; Hereditary Cancer Syndrome; Neoplastic Syndromes, Hereditary. Identifiers: Orphanet 140162, MedGen C0027672, MeSH D009386, MONDO:0015356.

Submission:

Labcorp Genetics (formerly Invitae), Labcorp
Classification: Pathogenic for Hereditary cancer-predisposing syndrome. Last evaluated: 2022-07-16. Review status: criteria provided, single submitter. Criteria: Invitae Variant Classification Sherloc (09022015). Collection method: clinical testing. Allele origin: germline.
Comment: For these reasons, this variant has been classified as Pathogenic. ClinVar contains an entry for this variant (Variation ID: 575716). This variant has not been reported in the literature in individuals affected with RAD50-related conditions. This variant is not present in population databases (gnomAD no frequency). This sequence change creates a premature translational stop signal (p.Gln986*) in the RAD50 gene. It is expected to result in an absent or disrupted protein product. Loss-of-function variants in RAD50 are known to be pathogenic (PMID: 19409520).

Literature cited by the submitters: PubMed 19409520.